The following is an entry in ClinVar:

NM_005631.5(SMO):c.2258C>T (p.Pro753Leu)

Gene: SMO (smoothened, frizzled class receptor; plus strand). Cytogenetic location: 7q32.1.
Variant type: single nucleotide variant.
Coding change: c.2258C>T on transcript NM_005631.5 (MANE Select); coding-DNA position 2258, C replaced by T.
Protein change: p.Pro753Leu; replaces proline 753 with leucine.
Molecular consequence: missense variant.
Genome position (GRCh38, 1-based): chr7:129,212,345, C>T. VCF-style: chr7-129212345-C-T. GRCh37 (hg19) VCF-style: chr7-128852186-C-T.
Other names: short protein forms P753L.
Identifiers: ClinVar variation 3359973 (VCV003359973.1).

ClinVar aggregate classification (germline): Uncertain significance (1 of 4 stars; one submission).

gnomAD v4.1: 72 of 1,614,126 alleles (0.0045%); highest among the groups gnomAD compares: Non-Finnish European, 0.0042%; no homozygotes.

Submission:

GeneDx
Classification: Uncertain significance. Last evaluated: 2023-06-14. Review status: criteria provided, single submitter. Criteria: GeneDx Variant Classification Process June 2021. Collection method: clinical testing. Allele origin: germline. Affected: yes.
Comment: In silico analysis supports that this missense variant does not alter protein structure/function; Has not been previously published as pathogenic or benign to our knowledge